The following is an entry in ClinVar:

NM_001267550.2(TTN):c.57263-2A>G

Genes: TTN (titin; minus strand), TTN-AS1 (TTN antisense RNA 1; plus strand). Cytogenetic location: 2q31.2.
Variant type: single nucleotide variant.
Coding change: c.57263-2A>G on transcript NM_001267550.2 (MANE Select); the canonical splice acceptor site of the intron before coding-DNA position 57263, A replaced by G.
Molecular consequence: splice acceptor variant.
Genome position (GRCh38, 1-based): chr2:178,597,821, T>C on the plus strand (A>G on the coding strand, the complement: TTN is on the minus strand). VCF-style: chr2-178597821-T-C. GRCh37 (hg19) VCF-style: chr2-179462548-T-C.
Other names: c.30068-2A>G (NM_003319.4); c.30644-2A>G (NM_133437.4); c.30443-2A>G (NM_133432.3); c.49559-2A>G (NM_133378.4); c.52340-2A>G (NM_001256850.1).
Identifiers: ClinVar variation 2586539 (VCV002586539.3), dbSNP rs2469806182, ClinGen allele CA349522170.

ClinVar aggregate classification (germline): Conflicting classifications of pathogenicity. Review status: criteria provided, conflicting classifications (1 of 4 stars). 2 submissions from 2 submitters: Likely pathogenic (1); Uncertain significance (1). Last evaluated 2025-12-20.

Conditions:
Dilated cardiomyopathy 1G (CMD1G). Identifiers: Orphanet 154, MedGen C1858763, MONDO:0011400, OMIM 604145.
Autosomal recessive limb-girdle muscular dystrophy type 2J (LGMDR10). Also called: Limb-girdle muscular dystrophy, type 2J; MUSCULAR DYSTROPHY, LIMB-GIRDLE, AUTOSOMAL RECESSIVE 10. Identifiers: Orphanet 140922, MedGen C1837342, MONDO:0012127, OMIM 608807.
Cardiovascular phenotype. Identifiers: MedGen CN230736.

Submissions (2):

Labcorp Genetics (formerly Invitae), Labcorp
Classification: Likely pathogenic for Dilated cardiomyopathy 1G; Autosomal recessive limb-girdle muscular dystrophy type 2J. Last evaluated: 2025-12-20. Review status: criteria provided, single submitter. Criteria: Invitae Variant Classification Sherloc (09022015). Collection method: clinical testing. Allele origin: germline.
Comment: This sequence change affects an acceptor splice site in intron 293 of the TTN gene. It is expected to disrupt RNA splicing and likely results in a truncated or disrupted TTN protein. This variant is not present in population databases (gnomAD no frequency). This variant has not been reported in the literature in individuals affected with TTN-related conditions. ClinVar contains an entry for this variant (Variation ID: 2586539). Algorithms developed to predict the effect of sequence changes on RNA splicing suggest that this variant may disrupt the consensus splice site. This variant is located in the A band of TTN (PMID: 25589632). Truncating variants in this region are significantly overrepresented in patients affected with dilated cardiomyopathy (PMID: 25589632). Truncating variants in this region have also been reported in individuals affected with autosomal recessive centronuclear myopathy (PMID: 23975875). In summary, the currently available evidence indicates that the variant is pathogenic, but additional data are needed to prove that conclusively. Therefore, this variant has been classified as Likely Pathogenic.

Ambry Genetics
Classification: Uncertain significance for Cardiovascular phenotype. Last evaluated: 2023-07-28. Review status: criteria provided, single submitter. Criteria: Ambry Variant Classification Scheme 2023. Collection method: clinical testing. Allele origin: germline.
Comment: The c.30068-2A>G intronic variant results from an A to G substitution two nucleotides upstream from coding exon 121 in the TTN gene. Exon 121 is located in the A-band region of the N2-B isoform of the titin protein and is constitutively expressed in TTN transcripts (percent spliced in or PSI 100%). This nucleotide position is highly conserved in available vertebrate species. In silico splice site analysis predicts that this alteration will weaken the native splice acceptor site and will result in the creation or strengthening of a novel splice acceptor site. The resulting transcript is predicted to be in-frame and is not expected to trigger nonsense-mediated mRNA decay. The exact functional effect of the missing amino acids is unknown. Since supporting evidence is limited at this time, the clinical significance of this alteration remains unclear.

Literature cited by the submitters: PubMed 25589632 (cited by Labcorp Genetics (formerly Invitae), Labcorp); PubMed 23975875 (cited by Labcorp Genetics (formerly Invitae), Labcorp).